The following is an entry in ClinVar:

NM_002474.3(MYH11):c.3325G>T (p.Ala1109Ser)

Gene: MYH11 (myosin heavy chain 11; minus strand). Cytogenetic location: 16p13.11.
Variant type: single nucleotide variant.
Coding change: c.3325G>T on transcript NM_002474.3 (MANE Select); coding-DNA position 3325, G replaced by T.
Protein change: p.Ala1109Ser; replaces alanine 1109 with serine.
Molecular consequence: missense variant.
Genome position (GRCh38, 1-based): chr16:15,735,547, C>A on the plus strand (G>T on the coding strand, the complement: MYH11 is on the minus strand). VCF-style: chr16-15735547-C-A. GRCh37 (hg19) VCF-style: chr16-15829404-C-A.
Other names: c.3346G>T, p.Ala1116Ser (NM_001040113.2, NM_001040114.2); c.3325G>T, p.Ala1109Ser (NM_022844.3); short protein forms A1109S, A1116S.
Identifiers: ClinVar variation 3400639 (VCV003400639.1).
Genomic context (GRCh38, chr16:15,735,547, plus strand): 5'-AGTCCAGGTCCTCCTGGAGGTCTGAGATGTGGCCCTCCAGCTCCCGGATCTTCTTCAGGG[C>A]ATTGTTCTTCTGAGCGATTTCATCGTCAAGCCTTCCAGGGAGAGACCCAGCAGAATGAAC-3'
Protein context (NP_002465.1, residues 1099-1119): LDDEIAQKNN[Ala1109Ser]LKKIRELEGH

ClinVar aggregate classification (germline): Uncertain significance (1 of 4 stars; one submission).

Conditions:
Familial thoracic aortic aneurysm and aortic dissection (TAAD). Also called: Thoracic aortic aneurysms and dissections. Identifiers: Orphanet 91387, MedGen C4707243, MONDO:0019625.

Submission:

Ambry Genetics
Classification: Uncertain significance for Familial thoracic aortic aneurysm and aortic dissection. Last evaluated: 2024-10-08. Review status: criteria provided, single submitter. Criteria: Ambry Variant Classification Scheme 2023. Collection method: clinical testing. Allele origin: germline.
Comment: The p.A1109S variant (also known as c.3325G>T), located in coding exon 25 of the MYH11 gene, results from a G to T substitution at nucleotide position 3325. The alanine at codon 1109 is replaced by serine, an amino acid with similar properties. This amino acid position is conserved. In addition, the in silico prediction for this alteration is inconclusive. Based on the available evidence, the clinical significance of this variant remains unclear.